The following is an entry in ClinVar:

ClinVar aggregate classification (germline): Uncertain significance (1 of 4 stars; one submission).

Allele frequency attached by ClinVar (database versions not stated): gnomAD exomes 0.00004; TOPMed 0.00003; gnomAD 0.00001; ExAC 0.00005.
gnomAD v4.1: 33 of 1,525,610 alleles (0.0022%); highest among the groups gnomAD compares: Admixed American, 0.0081%; no homozygotes.

Submission:

Labcorp Genetics (formerly Invitae), Labcorp
Classification: Uncertain significance. Last evaluated: 2025-08-21. Review status: criteria provided, single submitter. Criteria: Invitae Variant Classification Sherloc (09022015). Collection method: clinical testing. Allele origin: germline.
Comment: This sequence change replaces arginine, which is basic and polar, with glutamine, which is neutral and polar, at codon 258 of the DTHD1 protein (p.Arg258Gln). This variant also falls at the last nucleotide of exon 4, which is part of the consensus splice site for this exon. This variant is present in population databases (rs769705093, gnomAD 0.01%). This variant has not been reported in the literature in individuals affected with DTHD1-related conditions. ClinVar contains an entry for this variant (Variation ID: 1367073). An algorithm developed to predict the effect of missense changes on protein structure and function (PolyPhen-2) suggests that this variant is likely to be tolerated. Variants that disrupt the consensus splice site are a relatively common cause of aberrant splicing (PMID: 17576681, 9536098). Algorithms developed to predict the effect of sequence changes on RNA splicing suggest that this variant may disrupt the consensus splice site. In summary, the available evidence is currently insufficient to determine the role of this variant in disease. Therefore, it has been classified as a Variant of Uncertain Significance.

Literature cited by the submitters: PubMed 17576681; PubMed 9536098.

NM_001170700.3(DTHD1):c.1643G>A (p.Arg548Gln)

Gene: DTHD1 (death domain containing 1; plus strand). Cytogenetic location: 4p14.
Variant type: single nucleotide variant.
Coding change: c.1643G>A on transcript NM_001170700.3 (MANE Select); coding-DNA position 1643, G replaced by A.
Protein change: p.Arg548Gln; replaces arginine 548 with glutamine.
Molecular consequence: missense variant. On other transcripts: non-coding transcript variant (2).
Genome position (GRCh38, 1-based): chr4:36,295,039, G>A. VCF-style: chr4-36295039-G-A. GRCh37 (hg19) VCF-style: chr4-36296661-G-A.
Other names: c.773G>A, p.Arg258Gln (NM_001136536.5); c.710G>A, p.Arg237Gln (NM_001378435.1); short protein forms R237Q, R258Q, R548Q.
Identifiers: ClinVar variation 1367073 (VCV001367073.8), dbSNP rs769705093, ClinGen allele CA2885658.